The following is an entry in ClinVar:

NM_002292.4(LAMB2):c.77-1G>A

Gene: LAMB2 (laminin subunit beta 2; minus strand). Cytogenetic location: 3p21.31.
Variant type: single nucleotide variant.
Coding change: c.77-1G>A on transcript NM_002292.4 (MANE Select); the canonical splice acceptor site of the intron before coding-DNA position 77, G replaced by A.
Molecular consequence: splice acceptor variant.
Genome position (GRCh38, 1-based): chr3:49,132,664, C>T on the plus strand (G>A on the coding strand, the complement: LAMB2 is on the minus strand). VCF-style: chr3-49132664-C-T. GRCh37 (hg19) VCF-style: chr3-49170097-C-T.
Identifiers: ClinVar variation 3762506 (VCV003762506.2).

ClinVar aggregate classification (germline): Likely pathogenic (1 of 4 stars; one submission).

Conditions:
Pierson syndrome. Also called: MICROCORIA-CONGENITAL NEPHROTIC SYNDROME. Identifiers: Orphanet 2670, MedGen C1836876, MONDO:0012184, OMIM 609049.
LAMB2-related infantile-onset nephrotic syndrome. Also called: Nephrotic Syndrome, type 5; NEPHROTIC SYNDROME, TYPE 5, WITHOUT OCULAR ABNORMALITIES; NEPHROTIC SYNDROME, TYPE 5, WITH OCULAR ABNORMALITIES. Identifiers: Orphanet 306507, MedGen C3280113, MONDO:0013621, OMIM 614199.

Submission:

Labcorp Genetics (formerly Invitae), Labcorp
Classification: Likely pathogenic for LAMB2-related infantile-onset nephrotic syndrome; Pierson syndrome. Last evaluated: 2024-06-06. Review status: criteria provided, single submitter. Criteria: Invitae Variant Classification Sherloc (09022015). Collection method: clinical testing. Allele origin: germline.
Comment: This sequence change affects an acceptor splice site in intron 1 of the LAMB2 gene. It is expected to disrupt RNA splicing. Variants that disrupt the donor or acceptor splice site typically lead to a loss of protein function (PMID: 16199547), and loss-of-function variants in LAMB2 are known to be pathogenic (PMID: 15367484). This variant is not present in population databases (gnomAD no frequency). This variant has not been reported in the literature in individuals affected with LAMB2-related conditions. Algorithms developed to predict the effect of sequence changes on RNA splicing suggest that this variant may disrupt the consensus splice site. In summary, the currently available evidence indicates that the variant is pathogenic, but additional data are needed to prove that conclusively. Therefore, this variant has been classified as Likely Pathogenic.

Literature cited by the submitters: PubMed 16199547; PubMed 15367484.